The following is an entry in ClinVar:

ClinVar aggregate classification (germline): Uncertain significance. Review status: criteria provided, multiple submitters, no conflicts (2 of 4 stars). 3 submissions from 3 submitters: Uncertain significance (3). Last evaluated 2025-01-25.

Conditions:
Hereditary cancer-predisposing syndrome. Also called: Neoplastic Syndromes, Hereditary; Hereditary Cancer Syndrome; Hereditary neoplastic syndrome; Tumor predisposition. Identifiers: Orphanet 140162, MedGen C0027672, MeSH D009386, MONDO:0015356.
Familial cancer of breast. Also called: Hereditary breast cancer; hereditary breast carcinoma; BREAST CANCER, FAMILIAL. Identifiers: Orphanet 227535, MedGen C0346153, MONDO:0016419, OMIM 114480. Disease mechanism: loss of function.
Fanconi anemia complementation group J. Also called: BRIP1-Related Fanconi Anemia. Identifiers: Orphanet 84, MedGen C1836860, MONDO:0012187, OMIM 609054.

Allele frequency attached by ClinVar (database versions not stated): TOPMed below 0.00001; gnomAD 0.00001.
gnomAD v4.1: 4 of 1,613,752 alleles (0.00025%); highest among the groups gnomAD compares: Non-Finnish European, 0.00034%; no homozygotes.

Submissions (3):

Labcorp Genetics (formerly Invitae), Labcorp
Classification: Uncertain significance for Familial cancer of breast; Fanconi anemia complementation group J. Last evaluated: 2025-01-25. Review status: criteria provided, single submitter. Criteria: Invitae Variant Classification Sherloc (09022015). Collection method: clinical testing. Allele origin: germline.
Comment: This sequence change replaces lysine, which is basic and polar, with asparagine, which is neutral and polar, at codon 749 of the BRIP1 protein (p.Lys749Asn). This variant is not present in population databases (gnomAD no frequency). This variant has not been reported in the literature in individuals affected with BRIP1-related conditions. ClinVar contains an entry for this variant (Variation ID: 142573). Invitae Evidence Modeling of protein sequence and biophysical properties (such as structural, functional, and spatial information, amino acid conservation, physicochemical variation, residue mobility, and thermodynamic stability) indicates that this missense variant is not expected to disrupt BRIP1 protein function with a negative predictive value of 95%. In summary, the available evidence is currently insufficient to determine the role of this variant in disease. Therefore, it has been classified as a Variant of Uncertain Significance.

Ambry Genetics
Classification: Uncertain significance for Hereditary cancer-predisposing syndrome. Last evaluated: 2024-08-28. Review status: criteria provided, single submitter. Criteria: Ambry Variant Classification Scheme 2023. Collection method: clinical testing. Allele origin: germline.
Comment: The p.K749N variant (also known as c.2247A>T), located in coding exon 14 of the BRIP1 gene, results from an A to T substitution at nucleotide position 2247. The lysine at codon 749 is replaced by asparagine, an amino acid with similar properties. This amino acid position is not well conserved in available vertebrate species. In addition, this alteration is predicted to be tolerated by in silico analysis. Since supporting evidence is limited at this time, the clinical significance of this alteration remains unclear.

GeneDx
Classification: Uncertain significance. Last evaluated: 2015-03-20. Review status: criteria provided, single submitter. Criteria: GeneDx Variant Classification (06012015). Collection method: clinical testing. Allele origin: germline. Affected: yes.
Comment: This variant is denoted BRIP1 c.2247A>T at the cDNA level, p.Lys749Asn (K749N) at the protein level, and results in the change of a Lysine to an Asparagine (AAA>AAT). This variant has not, to our knowledge, been published in the literature as pathogenic or benign. BRIP1 Lys749Asn was not observed in approximately 6,500 individuals of European and African American ancestry in the NHLBI Exome Sequencing Project, indicating it is not a common benign variant in these populations. Since Lysine and Asparagine differ in some properties, this is considered a semi-conservative amino acid substitution. BRIP1 Lys749Asn occurs at a position that is conserved across species and is located in the helicase domain (Cantor 2011). In silico analyses predict that this variant is probably damaging to protein structure and function. Based on currently available information, it is unclear whether BRIP1 Lys749Asn is pathogenic or benign. We consider it to be a variant of uncertain significance.

NM_032043.3(BRIP1):c.2247A>T (p.Lys749Asn)

Gene: BRIP1 (BRCA1 interacting DNA helicase 1; minus strand). Cytogenetic location: 17q23.2.
Variant type: single nucleotide variant.
Coding change: c.2247A>T on transcript NM_032043.3 (MANE Select); coding-DNA position 2247, A replaced by T.
Protein change: p.Lys749Asn; replaces lysine 749 with asparagine.
Molecular consequence: missense variant.
Genome position (GRCh38, 1-based): chr17:61,744,442, T>A on the plus strand (A>T on the coding strand, the complement: BRIP1 is on the minus strand). VCF-style: chr17-61744442-T-A. GRCh37 (hg19) VCF-style: chr17-59821803-T-A.
Other names: short protein forms K749N.
Identifiers: ClinVar variation 142573 (VCV000142573.16), dbSNP rs587782556, ClinGen allele CA168734.